The following is an entry in ClinVar:

NM_000092.5(COL4A4):c.1259G>A (p.Gly420Glu)

Gene: COL4A4 (collagen type IV alpha 4 chain; minus strand). Cytogenetic location: 2q36.3.
Variant type: single nucleotide variant.
Coding change: c.1259G>A on transcript NM_000092.5 (MANE Select); coding-DNA position 1259, G replaced by A.
Protein change: p.Gly420Glu; replaces glycine 420 with glutamic acid.
Molecular consequence: missense variant.
Genome position (GRCh38, 1-based): chr2:227,094,235, C>T on the plus strand (G>A on the coding strand, the complement: COL4A4 is on the minus strand). VCF-style: chr2-227094235-C-T. GRCh37 (hg19) VCF-style: chr2-227958951-C-T.
Other names: p.Gly420Glu; short protein forms G420E.
Identifiers: ClinVar variation 3376902 (VCV003376902.2).
Genomic context (GRCh38, chr2:227,094,235, plus strand): 5'-GATCCTGGCTTCCCTGGTTTTCCTGGAGCAGAATCAGGTCTCCCAGGAATACCAGCTTCT[C>T]CTGGAAGCCCAGGAAGACCAGGAAATCCTTGTGGCCCAGGGGGTCCTATCATGCCTGCAA-3'
Protein context (NP_000083.3, residues 410-430): QGFPGLPGLP[Gly420Glu]EAGIPGRPDS

ClinVar aggregate classification (germline): Conflicting classifications of pathogenicity. Review status: criteria provided, conflicting classifications (1 of 4 stars). 3 submissions from 3 submitters: Likely pathogenic (2); Uncertain significance (1). Last evaluated 2025-07-13.

Conditions:
Alport syndrome. Also called: Hemorrhagic familial nephritis; Hemorrhagic hereditary nephritis; Congenital hereditary hematuria. Identifiers: Orphanet 63, MedGen C1567741, MONDO:0018965.

gnomAD v4.1: 2 of 1,613,852 alleles (0.00012%); highest among the groups gnomAD compares: African/African-American, 0.0013%; no homozygotes.

Submissions (3):

Labcorp Genetics (formerly Invitae), Labcorp
Classification: Uncertain significance. Last evaluated: 2025-07-13. Review status: criteria provided, single submitter. Criteria: Invitae Variant Classification Sherloc (09022015). Collection method: clinical testing. Allele origin: germline.
Comment: This sequence change replaces glycine, which is neutral and non-polar, with glutamic acid, which is acidic and polar, at codon 420 of the COL4A4 protein (p.Gly420Glu). This variant is present in population databases (no rsID available, gnomAD 0.007%). This variant has not been reported in the literature in individuals affected with COL4A4-related conditions. ClinVar contains an entry for this variant (Variation ID: 3376902). Invitae Evidence Modeling of protein sequence and biophysical properties (such as structural, functional, and spatial information, amino acid conservation, physicochemical variation, residue mobility, and thermodynamic stability) indicates that this missense variant is expected to disrupt COL4A4 protein function with a positive predictive value of 95%. In summary, the available evidence is currently insufficient to determine the role of this variant in disease. Therefore, it has been classified as a Variant of Uncertain Significance.

Mayo Clinic Laboratories, Mayo Clinic
Classification: Likely pathogenic. Last evaluated: 2024-05-31. Review status: criteria provided, single submitter. Criteria: ACMG Guidelines, 2015. Collection method: clinical testing. Allele origin: germline. Observed: 1 variant allele.
Comment: PP3, PM1_strong, PM2

Victorian Clinical Genetics Services, Murdoch Childrens Research Institute
Classification: Likely pathogenic for Alport syndrome. Last evaluated: 2022-03-31. Review status: criteria provided, single submitter. Criteria: ACMG Guidelines, 2015. Collection method: clinical testing. Allele origin: germline. Affected: yes.
Comment: Based on the classification scheme VCGS_Germline_v1.3.4, this variant is classified as Likely pathogenic. Following criteria are met: 0103 - Loss of function is a known mechanism of disease for this gene and is associated with COL4A4-related nephropathy (MIM#203780). Dominant negative is a suspected mechanism of disease for this gene as it is a structural protein (PMID: 12028435, 24046192). (I) 0108 - This gene is associated with both recessive and dominant disease. Alport syndrome typically has biallelic inheritance, although rare cases of monoallelic inheritance have been reported (PMID: 28704582). Thin basement membrane nephropathy and focal segmental glomerulosclerosis are associated with autosomal dominant inheritance (OMIM, PMID: 16467446, 17942953). (I) 0200 - Variant is predicted to result in a missense amino acid change from glycine to glutamic acid. (I) 0251 - This variant is heterozygous. (I) 0304 - Variant is present in gnomAD <0.01 for a condition (1 heterozygote, 0 homozygotes). (SP) 0501 - Missense variant consistently predicted to be damaging by multiple in silico tools or highly conserved with a major amino acid change. (SP) 0601 - Variant is located in the well-established functional functional Gly-X-Y motif within the collagen triple helical domain, and affects a glycine residue (DECIPHER). (SP) 0705 - No comparable missense variants have previous evidence for pathogenicity. (I) 0807 - This variant has no previous evidence of pathogenicity. (I) 0905 - No published segregation evidence has been identified for this variant. (I) 1007 - No published functional evidence has been identified for this variant. (I) 1208 - Inheritance information for this variant is not currently available in this individual. (I) Legend: (SP) - Supporting pathogenic, (I) - Information, (SB) - Supporting benign

Literature cited by the submitters: PubMed 12028435 (cited by Victorian Clinical Genetics Services, Murdoch Childrens Research Institute); PubMed 16467446 (cited by Victorian Clinical Genetics Services, Murdoch Childrens Research Institute); PubMed 17942953 (cited by Victorian Clinical Genetics Services, Murdoch Childrens Research Institute); PubMed 24046192 (cited by Victorian Clinical Genetics Services, Murdoch Childrens Research Institute); PubMed 28704582 (cited by Victorian Clinical Genetics Services, Murdoch Childrens Research Institute).